The following is an entry in ClinVar:

NM_002471.4(MYH6):c.201+16C>T

Genes: MYH6 (myosin heavy chain 6; minus strand), LOC114827851 (VISTA enhancer hs2155; plus strand). Cytogenetic location: 14q11.2.
Variant type: single nucleotide variant.
Coding change: c.201+16C>T on transcript NM_002471.4 (MANE Select); 16 bases into the intron after coding-DNA position 201, C replaced by T.
Molecular consequence: intron variant.
Genome position (GRCh38, 1-based): chr14:23,407,007, G>A on the plus strand (C>T on the coding strand, the complement: MYH6 is on the minus strand). VCF-style: chr14-23407007-G-A. GRCh37 (hg19) VCF-style: chr14-23876216-G-A.
Identifiers: ClinVar variation 258708 (VCV000258708.15), dbSNP rs7147244, ClinGen allele CA7116247.
Genomic context (GRCh38, chr14:23,407,007, plus strand): 5'-CCTGCAAGTGGCTCCACCTCTGCATCTTCTTTCCCAGACCTCCTTCCCTTCTGCCCCGGC[G>A]CCATGCCCTACTCACCTTCCCATTCTCGGTTTCAGCAATGACCTTGCCTCCCTCCCGGGA-3'

ClinVar aggregate classification (germline): Benign. Review status: criteria provided, multiple submitters, no conflicts (2 of 4 stars). 7 submissions from 7 submitters: Benign (4). 3 of the submissions do not count toward it. Last evaluated 2026-02-04.

Conditions:
Hypertrophic cardiomyopathy 14. Identifiers: MedGen C2750467, MONDO:0013197, OMIM 613251.

Allele frequency attached by ClinVar (database versions not stated): ExAC 0.03107; 1000 Genomes Project 0.04972; 1000 Genomes Project 30x 0.05262; gnomAD 0.05820 and 0.06154; TOPMed 0.06397; ESP Exome Variant Server 0.06559.
gnomAD v4.1: 61,351 of 1,612,258 alleles (3.8%); highest among the groups gnomAD compares: African/African-American, 14%; 1,700 homozygotes.

Submissions (7):

Labcorp Genetics (formerly Invitae), Labcorp
Classification: Benign for Hypertrophic cardiomyopathy 14. Last evaluated: 2026-02-04. Review status: criteria provided, single submitter. Criteria: Invitae Variant Classification Sherloc (09022015). Collection method: clinical testing. Allele origin: germline.

GeneDx
Classification: Benign. Last evaluated: 2016-09-29. Review status: criteria provided, single submitter. Criteria: GeneDx Variant Classification (06012015). Collection method: clinical testing. Allele origin: germline. Affected: yes.
Comment: This variant is considered likely benign or benign based on one or more of the following criteria: it is a conservative change, it occurs at a poorly conserved position in the protein, it is predicted to be benign by multiple in silico algorithms, and/or has population frequency not consistent with disease.

Breakthrough Genomics
Classification: Benign. Review status: criteria provided, single submitter. Criteria: ACMG Guidelines, 2015. Collection method: not provided. Allele origin: germline. Inheritance: Autosomal dominant inheritance. Affected: yes.

PreventionGenetics, part of Exact Sciences
Classification: Benign. Review status: criteria provided, single submitter. Criteria: ACMG Guidelines, 2015. Collection method: clinical testing. Allele origin: germline.

Clinical Genetics DNA and cytogenetics Diagnostics Lab, Erasmus MC, Erasmus Medical Center
Classification: Benign. Review status: no assertion criteria provided. Collection method: clinical testing. Allele origin: germline. Affected: yes. Study: VKGL Data-share Consensus. Not counted in ClinVar's aggregate classification.

Clinical Genetics, Academic Medical Center
Classification: Benign. Review status: no assertion criteria provided. Collection method: clinical testing. Allele origin: germline. Affected: yes. Study: VKGL Data-share Consensus. Not counted in ClinVar's aggregate classification.

Joint Genome Diagnostic Labs from Nijmegen and Maastricht, Radboudumc and MUMC+
Classification: Benign. Review status: no assertion criteria provided. Collection method: clinical testing. Allele origin: germline. Affected: yes. Study: VKGL Data-share Consensus. Not counted in ClinVar's aggregate classification.